The following is an entry in ClinVar:

NM_004260.4(RECQL4):c.127C>T (p.Arg43Trp)

Genes: RECQL4 (RecQ like helicase 4; minus strand), LOC130001411 (ATAC-STARR-seq lymphoblastoid silent region 19699; plus strand). Cytogenetic location: 8q24.3.
Variant type: single nucleotide variant.
Coding change: c.127C>T on transcript NM_004260.4 (MANE Select); coding-DNA position 127, C replaced by T.
Protein change: p.Arg43Trp; replaces arginine 43 with tryptophan.
Molecular consequence: missense variant.
Genome position (GRCh38, 1-based): chr8:144,517,500, G>A on the plus strand (C>T on the coding strand, the complement: RECQL4 is on the minus strand). VCF-style: chr8-144517500-G-A. GRCh37 (hg19) VCF-style: chr8-145742884-G-A.
Other names: short protein forms R43W.
Identifiers: ClinVar variation 407024 (VCV000407024.11), dbSNP rs761113605, ClinGen allele CA4949477.

ClinVar aggregate classification (germline): Uncertain significance. Review status: criteria provided, multiple submitters, no conflicts (2 of 4 stars). 3 submissions from 3 submitters: Uncertain significance (3). Last evaluated 2025-10-27.

Conditions:
Inborn genetic diseases. Identifiers: MedGen C0950123, MeSH D030342.
Baller-Gerold syndrome (BGS). Also called: CRANIOSYNOSTOSIS WITH RADIAL DEFECTS. Identifiers: Orphanet 1225, MedGen C0265308, MONDO:0009039, OMIM 218600.

Allele frequency attached by ClinVar (database versions not stated): gnomAD 0.00001; TOPMed 0.00002; gnomAD exomes 0.00003 and 0.00004; ExAC 0.00007.
gnomAD v4.1: 54 of 1,592,600 alleles (0.0034%); highest among the groups gnomAD compares: East Asian, 0.1%; no homozygotes.

Submissions (3):

Labcorp Genetics (formerly Invitae), Labcorp
Classification: Uncertain significance for Baller-Gerold syndrome. Last evaluated: 2025-10-27. Review status: criteria provided, single submitter. Criteria: Invitae Variant Classification Sherloc (09022015). Collection method: clinical testing. Allele origin: germline.
Comment: This sequence change replaces arginine, which is basic and polar, with tryptophan, which is neutral and slightly polar, at codon 43 of the RECQL4 protein (p.Arg43Trp). The frequency data for this variant in the population databases is considered unreliable, as metrics indicate poor data quality at this position in the gnomAD database. This variant has not been reported in the literature in individuals affected with RECQL4-related conditions. ClinVar contains an entry for this variant (Variation ID: 407024). Experimental studies and prediction algorithms are not available or were not evaluated, and the functional significance of this variant is currently unknown. In summary, the available evidence is currently insufficient to determine the role of this variant in disease. Therefore, it has been classified as a Variant of Uncertain Significance.

Ambry Genetics
Classification: Uncertain significance for Inborn genetic diseases. Last evaluated: 2024-11-30. Review status: criteria provided, single submitter. Criteria: Ambry Variant Classification Scheme 2023. Collection method: clinical testing. Allele origin: germline.
Comment: The p.R43W variant (also known as c.127C>T), located in coding exon 3 of the RECQL4 gene, results from a C to T substitution at nucleotide position 127. The arginine at codon 43 is replaced by tryptophan, an amino acid with dissimilar properties. This amino acid position is conserved. In addition, the in silico prediction for this alteration is inconclusive. Based on the available evidence, the clinical significance of this variant remains unclear.

GeneDx
Classification: Uncertain significance. Last evaluated: 2022-02-01. Review status: criteria provided, single submitter. Criteria: GeneDx Variant Classification Process June 2021. Collection method: clinical testing. Allele origin: germline. Affected: yes.
Comment: In silico analysis supports that this missense variant has a deleterious effect on protein structure/function; Has not been previously published as pathogenic or benign to our knowledge